The following is an entry in ClinVar:

NM_053013.4(ENO3):c.383T>A (p.Val128Asp)

Gene: ENO3 (enolase 3; plus strand). Cytogenetic location: 17p13.2.
Variant type: single nucleotide variant.
Coding change: c.383T>A on transcript NM_053013.4 (MANE Select); coding-DNA position 383, T replaced by A.
Protein change: p.Val128Asp; replaces valine 128 with aspartic acid.
Molecular consequence: missense variant.
Genome position (GRCh38, 1-based): chr17:4,953,784, T>A. VCF-style: chr17-4953784-T-A. GRCh37 (hg19) VCF-style: chr17-4857079-T-A.
Other names: c.254T>A, p.Val85Asp (NM_001193503.2); c.383T>A, p.Val128Asp (NM_001374523.1, NM_001976.5); c.410T>A, p.Val137Asp (NM_001374524.1); short protein forms V137D, V85D, V128D.
Identifiers: ClinVar variation 2140129 (VCV002140129.1), dbSNP rs777476427, ClinGen allele CA8316281.

ClinVar aggregate classification (germline): Uncertain significance (1 of 4 stars; one submission).

Conditions:
Glycogen storage disease due to muscle beta-enolase deficiency (GSD13). Also called: ENOLASE 3 DEFICIENCY; ENOLASE-BETA DEFICIENCY; GSD XIII; Glycogen Storage Disease Type XIII. Identifiers: Orphanet 99849, MedGen C2752027, MONDO:0013046, OMIM 612932.

Allele frequency attached by ClinVar (database versions not stated): ExAC 0.00002; TOPMed 0.00003; gnomAD 0.00004.
gnomAD v4.1: 43 of 1,613,526 alleles (0.0027%); highest among the groups gnomAD compares: Non-Finnish European, 0.0034%; no homozygotes.

Submission:

Labcorp Genetics (formerly Invitae), Labcorp
Classification: Uncertain significance for Glycogen storage disease due to muscle beta-enolase deficiency. Last evaluated: 2022-04-08. Review status: criteria provided, single submitter. Criteria: Invitae Variant Classification Sherloc (09022015). Collection method: clinical testing. Allele origin: germline.
Comment: This sequence change replaces valine, which is neutral and non-polar, with aspartic acid, which is acidic and polar, at codon 128 of the ENO3 protein (p.Val128Asp). This variant is present in population databases (rs777476427, gnomAD 0.004%). This variant has not been reported in the literature in individuals affected with ENO3-related conditions. Algorithms developed to predict the effect of missense changes on protein structure and function are either unavailable or do not agree on the potential impact of this missense change (SIFT: "Deleterious"; PolyPhen-2: "Possibly Damaging"; Align-GVGD: "Class C15"). In summary, the available evidence is currently insufficient to determine the role of this variant in disease. Therefore, it has been classified as a Variant of Uncertain Significance.